The following is an entry in ClinVar:

NM_005131.3(THOC1):c.1283C>T (p.Thr428Ile)

Gene: THOC1 (THO complex subunit 1; minus strand). Cytogenetic location: 18p11.32.
Variant type: single nucleotide variant.
Coding change: c.1283C>T on transcript NM_005131.3 (MANE Select); coding-DNA position 1283, C replaced by T.
Protein change: p.Thr428Ile; replaces threonine 428 with isoleucine.
Molecular consequence: missense variant.
Genome position (GRCh38, 1-based): chr18:224,105, G>A on the plus strand (C>T on the coding strand, the complement: THOC1 is on the minus strand). VCF-style: chr18-224105-G-A. GRCh37 (hg19) VCF-style: chr18-224105-G-A.
Other names: short protein forms T428I.
Identifiers: ClinVar variation 3600363 (VCV003600363.1).
Genomic context (GRCh38, chr18:224,105, plus strand): 5'-ATAACTAAGAACATCCCACATGAAGACAAATTCACCTACTTTCCCATCAGAATTTTTTTG[G>A]TGGGTCCTTTCCCTAGGAAGTCCTCGGGTGCTGTTCTCTTCCGAATTATTCTCGTAGGTT-3'
Protein context (NP_005122.2, residues 418-438): APEDFLGKGP[Thr428Ile]KKILMGNEEL

ClinVar aggregate classification (germline): Uncertain significance (1 of 4 stars; one submission).

Conditions:
Hearing loss, autosomal dominant 86. Also called: Deafness, autosomal dominant 86. Identifiers: MedGen C5830340, MONDO:0859524, OMIM 620280.

gnomAD v4.1: 27 of 1,609,102 alleles (0.0017%); highest among the groups gnomAD compares: African/African-American, 0.0027%; no homozygotes.

Submission:

Clinical Genomics Laboratory, Washington University in St. Louis
Classification: Uncertain significance for Hearing loss, autosomal dominant 86. Last evaluated: 2024-08-08. Review status: criteria provided, single submitter. Criteria: ACMG Guidelines, 2015. Collection method: clinical testing. Allele origin: germline.
Comment: The THOC1 c.1283C>T (p.Thr428Ile) variant, to our knowledge, has not been reported in the medical literature. The highest population minor allele frequency in the population database genome aggregation database (v.2.1.1) is 0.0036% in the European non-Finish population. Computational predictors suggest that the variant does not impact THOC1 function. Due to limited information, the clinical significance of this variant is uncertain.